The following is an entry in ClinVar:

NM_017831.4(RNF125):c.531C>T (p.Pro177=)

Gene: RNF125 (ring finger protein 125; plus strand). Cytogenetic location: 18q12.1.
Variant type: single nucleotide variant.
Coding change: c.531C>T on transcript NM_017831.4 (MANE Select); coding-DNA position 531, C replaced by T.
Protein change: p.Pro177=; no amino-acid change (proline 177 retained).
Molecular consequence: synonymous variant. On other transcripts: intron variant (1).
Genome position (GRCh38, 1-based): chr18:32,065,928, C>T. VCF-style: chr18-32065928-C-T. GRCh37 (hg19) VCF-style: chr18-29645891-C-T.
Other names: c.531C>T, p.Pro177= (NM_001436860.1); c.504+20196C>T (NM_001436861.1); c.531C>T (NM_017831.3).
Identifiers: ClinVar variation 4812053 (VCV004812053.2).

ClinVar aggregate classification (germline): Likely benign. Review status: criteria provided, multiple submitters, no conflicts (2 of 4 stars). 2 submissions from 2 submitters: Likely benign (2). Last evaluated 2026-03-18.

Conditions:
RNF125-related disorder. Also called: RNF125-related condition.
Tenorio syndrome (TNORS). Also called: OVERGROWTH, MACROCEPHALY, AND INTELLECTUAL DISABILITY SYNDROME. Identifiers: MedGen C4015710, MONDO:0014553, OMIM 616260.

gnomAD v4.1: 86 of 1,613,460 alleles (0.0053%); highest among the groups gnomAD compares: Admixed American, 0.042%; no homozygotes.

Submissions (2):

PreventionGenetics, part of Exact Sciences
Classification: Likely benign for RNF125-related condition. Last evaluated: 2026-03-18. Review status: criteria provided, single submitter. Criteria: ACMG Guidelines, 2015. Collection method: clinical testing. Allele origin: germline.
Comment: This variant is classified as likely benign based on ACMG/AMP sequence variant interpretation guidelines (Richards et al. 2015 PMID: 25741868, with internal and published modifications).

Labcorp Genetics (formerly Invitae), Labcorp
Classification: Likely benign for Tenorio syndrome. Last evaluated: 2025-08-26. Review status: criteria provided, single submitter. Criteria: Invitae Variant Classification Sherloc (09022015). Collection method: clinical testing. Allele origin: germline.